The following is an entry in ClinVar:

NM_001386795.1(DTNA):c.1366C>T (p.Arg456Trp)

Gene: DTNA (dystrobrevin alpha; plus strand). Cytogenetic location: 18q12.1.
Variant type: single nucleotide variant.
Coding change: c.1366C>T on transcript NM_001386795.1 (MANE Select); coding-DNA position 1366, C replaced by T.
Protein change: p.Arg456Trp; replaces arginine 456 with tryptophan.
Molecular consequence: missense variant. On other transcripts: intron variant (1).
Genome position (GRCh38, 1-based): chr18:34,848,315, C>T. VCF-style: chr18-34848315-C-T. GRCh37 (hg19) VCF-style: chr18-32428279-C-T.
Other names: c.1105C>T, p.Arg369Trp (NM_001386765.1, NM_001386766.1, NM_001386767.1 and 13 more transcripts); c.1195C>T, p.Arg399Trp (NM_001386770.1, NM_001386754.1, NM_001386755.1 and 5 more transcripts); c.412C>T, p.Arg138Trp (NM_001198942.1); c.355C>T, p.Arg119Trp (NM_001198943.1); c.241C>T, p.Arg81Trp (NM_001198944.1); c.1114C>T, p.Arg372Trp (NM_001386761.1, NM_001386762.1, NM_032975.4 and 1 more transcripts); c.1366C>T, p.Arg456Trp (NM_001386788.1); c.1285C>T, p.Arg429Trp (NM_001390.5, NM_001391.5); and 5 more; short protein forms R399W, R81W, R119W, R138W, R429W, R51W, R372W, R426W.
Identifiers: ClinVar variation 1422448 (VCV001422448.7), dbSNP rs759435722, ClinGen allele CA8935692.

ClinVar aggregate classification (germline): Uncertain significance. Review status: criteria provided, multiple submitters, no conflicts (2 of 4 stars). 2 submissions from 2 submitters: Uncertain significance (2). Last evaluated 2025-06-25.

Conditions:
DTNA-related disorder. Also called: DTNA-related condition.
Left ventricular noncompaction 1 (LVNC1). Also called: LEFT VENTRICULAR NONCOMPACTION 1 WITH OR WITHOUT CONGENITAL HEART DEFECTS. Identifiers: Orphanet 54260, MedGen C1858725, MONDO:0011403, OMIM 604169.

Allele frequency attached by ClinVar (database versions not stated): ExAC 0.00001; gnomAD exomes 0.00001; gnomAD 0.00003 and 0.00004; TOPMed 0.00004.
gnomAD v4.1: 20 of 1,613,844 alleles (0.0012%); highest among the groups gnomAD compares: Admixed American, 0.005%; no homozygotes.

Submissions (2):

PreventionGenetics, part of Exact Sciences
Classification: Uncertain significance for DTNA-related condition. Last evaluated: 2025-06-25. Review status: criteria provided, single submitter. Criteria: ACMG Guidelines, 2015. Collection method: clinical testing. Allele origin: germline.
Comment: The DTNA c.1285C>T variant is predicted to result in the amino acid substitution p.Arg429Trp. To our knowledge, this variant has not been reported in the literature. This variant is reported in 0.0028% of alleles in individuals of Latino descent in gnomAD. At this time, the clinical significance of this variant is uncertain due to the absence of conclusive functional and genetic evidence.

Labcorp Genetics (formerly Invitae), Labcorp
Classification: Uncertain significance for Left ventricular noncompaction 1. Last evaluated: 2025-02-06. Review status: criteria provided, single submitter. Criteria: Invitae Variant Classification Sherloc (09022015). Collection method: clinical testing. Allele origin: germline.
Comment: This sequence change replaces arginine, which is basic and polar, with tryptophan, which is neutral and slightly polar, at codon 429 of the DTNA protein (p.Arg429Trp). This variant is present in population databases (rs759435722, gnomAD 0.003%). This variant has not been reported in the literature in individuals affected with DTNA-related conditions. ClinVar contains an entry for this variant (Variation ID: 1422448). An algorithm developed to predict the effect of missense changes on protein structure and function (PolyPhen-2) suggests that this variant is likely to be disruptive. In summary, the available evidence is currently insufficient to determine the role of this variant in disease. Therefore, it has been classified as a Variant of Uncertain Significance.